The following is an entry in ClinVar:

ClinVar aggregate classification (germline): Uncertain significance. Review status: criteria provided, multiple submitters, no conflicts (2 of 4 stars). 2 submissions from 2 submitters: Uncertain significance (2). Last evaluated 2025-09-10.

Conditions:
Deafness-encephaloneuropathy-obesity-valvulopathy syndrome. Identifiers: Orphanet 254898, MedGen C3553354, MONDO:0013837, OMIM 614651.

Allele frequency attached by ClinVar (database versions not stated): ExAC 0.00003; gnomAD 0.00003; TOPMed 0.00003; gnomAD exomes 0.00004.
gnomAD v4.1: 59 of 1,613,510 alleles (0.0037%); highest among the groups gnomAD compares: Middle Eastern, 0.082%; no homozygotes.

Submissions (2):

Labcorp Genetics (formerly Invitae), Labcorp
Classification: Uncertain significance. Last evaluated: 2025-09-10. Review status: criteria provided, single submitter. Criteria: Invitae Variant Classification Sherloc (09022015). Collection method: clinical testing. Allele origin: germline.
Comment: This sequence change replaces valine, which is neutral and non-polar, with alanine, which is neutral and non-polar, at codon 287 of the PDSS1 protein (p.Val287Ala). This variant is present in population databases (rs367783149, gnomAD 0.01%). This variant has not been reported in the literature in individuals affected with PDSS1-related conditions. ClinVar contains an entry for this variant (Variation ID: 299699). Invitae Evidence Modeling of protein sequence and biophysical properties (such as structural, functional, and spatial information, amino acid conservation, physicochemical variation, residue mobility, and thermodynamic stability) indicates that this missense variant is not expected to disrupt PDSS1 protein function with a negative predictive value of 80%. In summary, the available evidence is currently insufficient to determine the role of this variant in disease. Therefore, it has been classified as a Variant of Uncertain Significance.

Illumina Laboratory Services, Illumina
Classification: Uncertain significance for Deafness-encephaloneuropathy-obesity-valvulopathy syndrome. Last evaluated: 2018-01-13. Review status: criteria provided, single submitter. Criteria: ICSL Variant Classification Criteria 13 December 2019. Collection method: clinical testing. Allele origin: germline.

NM_014317.5(PDSS1):c.860T>C (p.Val287Ala)

Gene: PDSS1 (decaprenyl diphosphate synthase subunit 1; plus strand). Cytogenetic location: 10p12.1.
Variant type: single nucleotide variant.
Coding change: c.860T>C on transcript NM_014317.5 (MANE Select); coding-DNA position 860, T replaced by C.
Protein change: p.Val287Ala; replaces valine 287 with alanine.
Molecular consequence: missense variant. On other transcripts: intron variant (1).
Genome position (GRCh38, 1-based): chr10:26,735,268, T>C. VCF-style: chr10-26735268-T-C. GRCh37 (hg19) VCF-style: chr10-27024197-T-C.
Other names: c.350T>C, p.Val117Ala (NM_001321979.2); c.836-7229T>C (NM_001321978.2); short protein forms V287A, V117A.
Identifiers: ClinVar variation 299699 (VCV000299699.9), dbSNP rs367783149, ClinGen allele CA5447048.